The following is an entry in ClinVar:

NM_001164665.2(KIAA1549):c.2471T>A (p.Val824Asp)

Gene: KIAA1549 (KIAA1549; minus strand). Cytogenetic location: 7q34.
Variant type: single nucleotide variant.
Coding change: c.2471T>A on transcript NM_001164665.2 (MANE Select); coding-DNA position 2471, T replaced by A.
Protein change: p.Val824Asp; replaces valine 824 with aspartic acid.
Molecular consequence: missense variant.
Genome position (GRCh38, 1-based): chr7:138,917,155, A>T on the plus strand (T>A on the coding strand, the complement: KIAA1549 is on the minus strand). VCF-style: chr7-138917155-A-T. GRCh37 (hg19) VCF-style: chr7-138601901-A-T.
Other names: c.2471T>A, p.Val824Asp (NM_020910.3); short protein forms V824D.
Identifiers: ClinVar variation 1474792 (VCV001474792.3), dbSNP rs750713293, ClinGen allele CA4506502.

ClinVar aggregate classification (germline): Uncertain significance (1 of 4 stars; one submission).

gnomAD v4.1: 5 of 1,613,898 alleles (0.00031%); highest among the groups gnomAD compares: Admixed American, 0.0083%; no homozygotes.

Submission:

Labcorp Genetics (formerly Invitae), Labcorp
Classification: Uncertain significance. Last evaluated: 2021-10-12. Review status: criteria provided, single submitter. Criteria: Invitae Variant Classification Sherloc (09022015). Collection method: clinical testing. Allele origin: germline.
Comment: This sequence change replaces valine with aspartic acid at codon 824 of the KIAA1549 protein (p.Val824Asp). The valine residue is moderately conserved and there is a large physicochemical difference between valine and aspartic acid. This variant is present in population databases (rs750713293, ExAC 0.009%). This variant has not been reported in the literature in individuals affected with KIAA1549-related conditions. Algorithms developed to predict the effect of missense changes on protein structure and function are either unavailable or do not agree on the potential impact of this missense change (SIFT: "Deleterious"; PolyPhen-2: "Possibly Damaging"; Align-GVGD: "Class C0"). In summary, the available evidence is currently insufficient to determine the role of this variant in disease. Therefore, it has been classified as a Variant of Uncertain Significance.